The following is an entry in ClinVar:

ClinVar aggregate classification (germline): Uncertain significance (1 of 4 stars; one submission).

Conditions:
Cardiovascular phenotype. Identifiers: MedGen CN230736.

Allele frequency attached by ClinVar (database versions not stated): gnomAD 0.00001; TOPMed 0.00003.
gnomAD v4.1: 4 of 1,405,138 alleles (0.00028%); highest among the groups gnomAD compares: African/African-American, 0.0046%; no homozygotes.

Submission:

Ambry Genetics
Classification: Uncertain significance for Cardiovascular phenotype. Last evaluated: 2025-02-13. Review status: criteria provided, single submitter. Criteria: Ambry Variant Classification Scheme 2023. Collection method: clinical testing. Allele origin: germline.
Comment: The p.T80A variant (also known as c.238A>G), located in coding exon 2 of the TECRL gene, results from an A to G substitution at nucleotide position 238. The threonine at codon 80 is replaced by alanine, an amino acid with similar properties. This amino acid position is not well conserved in available vertebrate species. In addition, this alteration is predicted to be tolerated by in silico analysis. Since supporting evidence is limited at this time, the clinical significance of this alteration remains unclear.

NM_001010874.5(TECRL):c.238A>G (p.Thr80Ala)

Gene: TECRL (trans-2,3-enoyl-CoA reductase like; minus strand). Cytogenetic location: 4q13.1.
Variant type: single nucleotide variant.
Coding change: c.238A>G on transcript NM_001010874.5 (MANE Select); coding-DNA position 238, A replaced by G.
Protein change: p.Thr80Ala; replaces threonine 80 with alanine.
Molecular consequence: missense variant.
Genome position (GRCh38, 1-based): chr4:64,375,220, T>C on the plus strand (A>G on the coding strand, the complement: TECRL is on the minus strand). VCF-style: chr4-64375220-T-C. GRCh37 (hg19) VCF-style: chr4-65240938-T-C.
Other names: c.238A>G, p.Thr80Ala (NM_001363796.1); short protein forms T80A.
Identifiers: ClinVar variation 1790534 (VCV001790534.3), dbSNP rs1247421702, ClinGen allele CA357150352.